The following is an entry in ClinVar:

ClinVar aggregate classification (germline): Likely benign (0 of 4 stars; one submission).

Conditions:
ISL1-related disorder. Also called: ISL1-related condition.

Allele frequency attached by ClinVar (database versions not stated): gnomAD exomes 0.00002; ExAC 0.00005; TOPMed 0.00005; gnomAD 0.00006.
gnomAD v4.1: 44 of 1,614,080 alleles (0.0027%); highest among the groups gnomAD compares: Admixed American, 0.025%; no homozygotes.

Submission:

PreventionGenetics, part of Exact Sciences
Classification: Likely benign for ISL1-related condition. Last evaluated: 2022-12-12. Review status: no assertion criteria provided. Collection method: clinical testing. Allele origin: germline.
Comment: This variant is classified as likely benign based on ACMG/AMP sequence variant interpretation guidelines (Richards et al. 2015 PMID: 25741868, with internal and published modifications).

NM_002202.3(ISL1):c.582C>T (p.His194=)

Gene: ISL1 (ISL LIM homeobox 1; plus strand). Cytogenetic location: 5q11.1.
Variant type: single nucleotide variant.
Coding change: c.582C>T on transcript NM_002202.3 (MANE Select); coding-DNA position 582, C replaced by T.
Protein change: p.His194=; no amino-acid change (histidine 194 retained).
Molecular consequence: synonymous variant.
Genome position (GRCh38, 1-based): chr5:51,389,749, C>T. VCF-style: chr5-51389749-C-T. GRCh37 (hg19) VCF-style: chr5-50685583-C-T.
Identifiers: ClinVar variation 3047671 (VCV003047671.2), dbSNP rs766791220, ClinGen allele CA3261031.
Genomic context (GRCh38, chr5:51,389,749, plus strand): 5'-CCACAAGCAGCCGGAGAAGACCACCCGCGTGCGGACTGTGCTGAACGAGAAGCAGCTGCA[C>T]ACCTTGCGGACCTGCTACGCCGCAAACCCGCGGCCAGATGCGCTCATGAAGGAGCAACTG-3'
Protein context (NP_002193.2, residues 184-204): VRTVLNEKQL[His194=]TLRTCYAANP